The following is an entry in ClinVar:

NM_006904.7(PRKDC):c.8030C>T (p.Ser2677Phe)

Gene: PRKDC (protein kinase, DNA-activated, catalytic subunit; minus strand). Cytogenetic location: 8q11.21.
Variant type: single nucleotide variant.
Coding change: c.8030C>T on transcript NM_006904.7 (MANE Select); coding-DNA position 8030, C replaced by T.
Protein change: p.Ser2677Phe; replaces serine 2677 with phenylalanine.
Molecular consequence: missense variant.
Genome position (GRCh38, 1-based): chr8:47,834,318, G>A on the plus strand (C>T on the coding strand, the complement: PRKDC is on the minus strand). VCF-style: chr8-47834318-G-A. GRCh37 (hg19) VCF-style: chr8-48746879-G-A.
Other names: c.8030C>T, p.Ser2677Phe (NM_001081640.2); short protein forms S2677F.
Identifiers: ClinVar variation 1761743 (VCV001761743.2), dbSNP rs2551867079, ClinGen allele CA371149719.
Genomic context (GRCh38, chr8:47,834,318, plus strand): 5'-CCCACTGACTTCAAGGGTGCTCTCTGTAACCTTTCACTCCTCTTGTGGGCAAACAGCAAG[G>A]AGTCAGATGAGGGACTGGTGTGGTCGACCAGCGGGTCAGTGCTGCTCCCGGTCAGCCAAT-3'
Protein context (NP_008835.5, residues 2667-2687): LVDHTSPSSD[Ser2677Phe]LLFAHKRSER

ClinVar aggregate classification (germline): Uncertain significance (1 of 4 stars; one submission).

Allele frequency attached by ClinVar (database versions not stated): gnomAD exomes below 0.00001.
gnomAD v4.1: 1 of 1,614,020 alleles (0.000062%); highest among the groups gnomAD compares: Non-Finnish European, 0.000085%; no homozygotes.

Submission:

Ambry Genetics
Classification: Uncertain significance. Last evaluated: 2022-10-22. Review status: criteria provided, single submitter. Criteria: Ambry Variant Classification Scheme 2023. Collection method: clinical testing. Allele origin: germline.
Comment: The p.S2677F variant (also known as c.8030C>T), located in coding exon 59 of the PRKDC gene, results from a C to T substitution at nucleotide position 8030. The serine at codon 2677 is replaced by phenylalanine, an amino acid with highly dissimilar properties. This amino acid position is conserved. Since supporting evidence is limited at this time, the clinical significance of this alteration remains unclear.